The following is an entry in ClinVar:

ClinVar aggregate classification (germline): Conflicting classifications of pathogenicity. Review status: criteria provided, conflicting classifications (1 of 4 stars). 3 submissions from 3 submitters: Likely pathogenic (2); Uncertain significance (1). Last evaluated 2023-02-07.

Conditions:
Autosomal recessive inheritance. Identifiers: MedGen C0441748, HP:0000007.
Global developmental delay (DD). Also called: Cognitive delay. Identifiers: MedGen C0557874, HP:0001263. Disease mechanism: loss of function.
Seizure. Also called: Seizures. Identifiers: MedGen C0036572, HP:0001250.

Submissions (4):

GeneDx
Classification: Likely pathogenic. Last evaluated: 2023-02-07. Review status: criteria provided, single submitter. Criteria: GeneDx Variant Classification Process June 2021. Collection method: clinical testing. Allele origin: germline. Affected: yes.
Comment: Reported in two sibling with severe intellectual disability and epileptic encephalopathy and their mother with borderline intellectual functioning in the published literature; the siblings also had a second SCN8A variant in trans (Wengert et al., 2019); Published functional studies demonstrate a damaging effect as G269R showed a complete loss of channel activity (Wengert et al., 2019); This substitution is predicted to be within the transmembrane segment S5 of the first homologous domain; Missense variants in this gene are often considered pathogenic (HGMD); In silico analysis supports that this missense variant has a deleterious effect on protein structure/function; In silico analysis suggests this variant may impact gene splicing. In the absence of RNA/functional studies, the actual effect of this sequence change is unknown.; Not observed at significant frequency in large population cohorts (gnomAD); This variant is associated with the following publications: (PMID: 33013363, 31625145)

Blueprint Genetics
Classification: Uncertain significance. Last evaluated: 2022-11-17. Review status: criteria provided, single submitter. Criteria: ACMG Guidelines, 2015. Collection method: clinical testing. Allele origin: germline.

Institute of Human Genetics, University of Leipzig Medical Center
Classification: Likely pathogenic for Autosomal recessive inheritance; Seizure; Global developmental delay. Last evaluated: 2019-10-17. Review status: criteria provided, single submitter. Criteria: ACMG Guidelines, 2015. Collection method: clinical testing. Allele origin: germline. Affected: yes.
Comment: This variant was identified comp-het. with c.4079C>A; p.(Thr1360Asn)

Channelopathy-Associated Epilepsy Research Center
No classification provided (evidence only). Condition: Complex neurodevelopmental disorder. Review status: no classification provided. Collection method: literature only. Allele origin: not applicable. Functional consequence: Absence of peak current, Overall loss-of-function effect with respect to biophysical channel activity. Not counted in ClinVar's aggregate classification.
ClinVar note: "not provided" was previously submitted as the classification for the variant. However, the classification appeared to be based only on an observation of functional data so it was converted to no classification on 2025-07-30.

Literature cited by the submitters: PubMed 31625145 (cited by Institute of Human Genetics, University of Leipzig Medical Center and Channelopathy-Associated Epilepsy Research Center).

NM_001330260.2(SCN8A):c.805G>A (p.Gly269Arg)

Gene: SCN8A (sodium voltage-gated channel alpha subunit 8; plus strand). Cytogenetic location: 12q13.13.
Variant type: single nucleotide variant.
Coding change: c.805G>A on transcript NM_001330260.2 (MANE Select); coding-DNA position 805, G replaced by A.
Protein change: p.Gly269Arg; replaces glycine 269 with arginine.
Molecular consequence: missense variant.
Genome position (GRCh38, 1-based): chr12:51,699,668, G>A. VCF-style: chr12-51699668-G-A. GRCh37 (hg19) VCF-style: chr12-52093452-G-A.
Other names: c.805G>A, p.Gly269Arg (NM_001177984.3, NM_001369788.1, NM_014191.4); short protein forms G269R.
Identifiers: ClinVar variation 1325766 (VCV001325766.5), dbSNP rs1555218644, ClinGen allele CA385226558.